The following is an entry in ClinVar:

NM_006922.4(SCN3A):c.5725C>T (p.Arg1909Cys)

Gene: SCN3A (sodium voltage-gated channel alpha subunit 3; minus strand). Cytogenetic location: 2q24.3.
Variant type: single nucleotide variant.
Coding change: c.5725C>T on transcript NM_006922.4 (MANE Select); coding-DNA position 5725, C replaced by T.
Protein change: p.Arg1909Cys; replaces arginine 1909 with cysteine.
Molecular consequence: missense variant.
Genome position (GRCh38, 1-based): chr2:165,090,428, G>A on the plus strand (C>T on the coding strand, the complement: SCN3A is on the minus strand). VCF-style: chr2-165090428-G-A. GRCh37 (hg19) VCF-style: chr2-165946938-G-A.
Other names: c.5578C>T, p.Arg1860Cys (NM_001081676.2, NM_001081677.2); short protein forms R1909C, R1860C.
Identifiers: ClinVar variation 652912 (VCV000652912.8), dbSNP rs200752113, ClinGen allele CA59708162.

ClinVar aggregate classification (germline): Uncertain significance (1 of 4 stars; one submission).

Allele frequency attached by ClinVar (database versions not stated): gnomAD exomes 0.00001; TOPMed 0.00001; gnomAD 0.00002.
gnomAD v4.1: 23 of 1,613,152 alleles (0.0014%); highest among the groups gnomAD compares: South Asian, 0.0033%; no homozygotes.

Submission:

Labcorp Genetics (formerly Invitae), Labcorp
Classification: Uncertain significance. Last evaluated: 2025-07-24. Review status: criteria provided, single submitter. Criteria: Invitae Variant Classification Sherloc (09022015). Collection method: clinical testing. Allele origin: germline.
Comment: This sequence change replaces arginine, which is basic and polar, with cysteine, which is neutral and slightly polar, at codon 1909 of the SCN3A protein (p.Arg1909Cys). This variant is present in population databases (rs200752113, gnomAD 0.003%). This variant has not been reported in the literature in individuals affected with SCN3A-related conditions. ClinVar contains an entry for this variant (Variation ID: 652912). Invitae Evidence Modeling of protein sequence and biophysical properties (such as structural, functional, and spatial information, amino acid conservation, physicochemical variation, residue mobility, and thermodynamic stability) has been performed for this missense variant. However, the output from this modeling did not meet the statistical confidence thresholds required to predict the impact of this variant on SCN3A protein function. In summary, the available evidence is currently insufficient to determine the role of this variant in disease. Therefore, it has been classified as a Variant of Uncertain Significance.